The following is an entry in ClinVar:

NM_002047.4(GARS1):c.516_517delinsTA (p.Glu172_Glu173delinsAspLys)

Gene: GARS1 (glycyl-tRNA synthetase 1; plus strand). Cytogenetic location: 7p14.3.
Variant type: Indel.
Coding change: c.516_517delinsTA on transcript NM_002047.4 (MANE Select); coding-DNA positions 516 to 517, GG replaced by TA.
Protein change: p.Glu172_Glu173delinsAspLys.
Molecular consequence: missense variant.
Genome position (GRCh38, 1-based): chr7:30,601,147-30,601,148, GG replaced by TA. VCF-style: chr7-30601147-GG-TA. GRCh37 (hg19) VCF-style: chr7-30640763-GG-TA.
Other names: c.354_355delinsTA, p.Glu118_Glu119delinsAspLys (NM_001316772.1).
Identifiers: ClinVar variation 1680899 (VCV001680899.9), dbSNP rs2128132720, ClinGen allele CA2573142199.

ClinVar aggregate classification (germline): Uncertain significance. Review status: criteria provided, multiple submitters, no conflicts (2 of 4 stars). 2 submissions from 2 submitters: Uncertain significance (2). Last evaluated 2026-04-17.

Conditions:
Charcot-Marie-Tooth disease type 2. Also called: Charcot-Marie-Tooth type 2. Identifiers: Orphanet 64746, MedGen C0270914, MONDO:0018993.

Submissions (2):

Greenwood Genetic Center Diagnostic Laboratories, Greenwood Genetic Center
Classification: Uncertain significance. Last evaluated: 2026-04-17. Review status: criteria provided, single submitter. Criteria: ACMG Guidelines, 2015. Collection method: clinical testing. Allele origin: germline.
Comment: PM2

Labcorp Genetics (formerly Invitae), Labcorp
Classification: Uncertain significance for Charcot-Marie-Tooth disease type 2. Last evaluated: 2024-04-22. Review status: criteria provided, single submitter. Criteria: Invitae Variant Classification Sherloc (09022015). Collection method: clinical testing. Allele origin: germline.
Comment: This variant, c.516_517delinsTA, is a complex sequence change that results in the deletion of 2 and insertion of 2 amino acid(s) in the GARS protein (p.Glu172_Glu173delinsAspLys). Information on the frequency of this variant in the gnomAD database is not available, as this variant may be reported differently in the database. This variant has not been reported in the literature in individuals affected with GARS-related conditions. ClinVar contains an entry for this variant (Variation ID: 1680899). Experimental studies and prediction algorithms are not available or were not evaluated, and the functional significance of this variant is currently unknown. In summary, the available evidence is currently insufficient to determine the role of this variant in disease. Therefore, it has been classified as a Variant of Uncertain Significance.